The following is an entry in ClinVar:

ClinVar aggregate classification (germline): Uncertain significance (1 of 4 stars; one submission).

Conditions:
Combined immunodeficiency due to ORAI1 deficiency. Also called: IMMUNODEFICIENCY 9. Identifiers: Orphanet 169090, Orphanet 317428, MedGen C2748568, MONDO:0013007, OMIM 612782.
Myopathy, tubular aggregate, 2 (TAM2). Identifiers: MedGen C4014557, MONDO:0014383, OMIM 615883.

Submission:

Labcorp Genetics (formerly Invitae), Labcorp
Classification: Uncertain significance for Myopathy, tubular aggregate, 2; Combined immunodeficiency due to ORAI1 deficiency. Last evaluated: 2025-03-11. Review status: criteria provided, single submitter. Criteria: Invitae Variant Classification Sherloc (09022015). Collection method: clinical testing. Allele origin: germline.
Comment: This sequence change replaces serine, which is neutral and polar, with arginine, which is basic and polar, at codon 263 of the ORAI1 protein (p.Ser263Arg). This variant is not present in population databases (gnomAD no frequency). This variant has not been reported in the literature in individuals affected with ORAI1-related conditions. Algorithms developed to predict the effect of variants on gene product structure and function are not available or were not evaluated for this variant. Experimental studies have shown that this missense change does not substantially affect ORAI1 function (PMID: 26035642). In summary, the available evidence is currently insufficient to determine the role of this variant in disease. Therefore, it has been classified as a Variant of Uncertain Significance.

Literature cited by the submitters: PubMed 26035642.

NC_000012.12:g.121641524A>C

Gene: ORAI1 (ORAI calcium release-activated calcium modulator 1; plus strand). Cytogenetic location: 12q24.31.
Variant type: single nucleotide variant.
Molecular consequence: non-coding transcript variant (on NR_186857.1).
Genome position: GRCh38 VCF-style: chr12-121641524-A-C. GRCh37 (hg19) VCF-style: chr12-122079430-A-C.
Identifiers: ClinVar variation 4784411 (VCV004784411.1).